The following is an entry in ClinVar:

ClinVar aggregate classification (germline): Uncertain significance (1 of 4 stars; one submission).

Conditions:
Deafness-lymphedema-leukemia syndrome. Also called: Lymphedema, primary, with myelodysplasia; Emberger syndrome. Identifiers: Orphanet 3226, MedGen C3279664, MONDO:0013540, OMIM 614038.
Monocytopenia with susceptibility to infections. Also called: MONOCYTOPENIA AND MYCOBACTERIAL INFECTION SYNDROME; MONOCYTOPENIA WITH SUSCEPTIBILITY TO MYCOBACTERIAL, FUNGAL, AND PAPILLOMAVIRUS INFECTIONS AND MYELODYSPLASIA; COMBINED IMMUNODEFICIENCY WITH SUSCEPTIBILITY TO MYCOBACTERIAL, VIRAL, AND FUNGAL INFECTIONS; Dendritic cell, monocyte, B lymphocyte, and natural killer lymphocyte deficiency; IMMUNODEFICIENCY 21; GATA2 DEFICIENCY. Identifiers: Orphanet 228423, MedGen C3280030, MONDO:0013607, OMIM 614172.

Submission:

Labcorp Genetics (formerly Invitae), Labcorp
Classification: Uncertain significance for Monocytopenia with susceptibility to infections; Deafness-lymphedema-leukemia syndrome. Last evaluated: 2021-08-30. Review status: criteria provided, single submitter. Criteria: Invitae Variant Classification Sherloc (09022015). Collection method: clinical testing. Allele origin: germline.
Comment: This sequence change replaces arginine with glycine at codon 230 of the GATA2 protein (p.Arg230Gly). The arginine residue is moderately conserved and there is a moderate physicochemical difference between arginine and glycine. This variant is not present in population databases (ExAC no frequency). This variant has not been reported in the literature in individuals affected with GATA2-related conditions. Advanced modeling of protein sequence and biophysical properties (such as structural, functional, and spatial information, amino acid conservation, physicochemical variation, residue mobility, and thermodynamic stability) performed at Invitae indicates that this missense variant is not expected to disrupt GATA2 protein function. In summary, the available evidence is currently insufficient to determine the role of this variant in disease. Therefore, it has been classified as a Variant of Uncertain Significance.

NM_032638.5(GATA2):c.688C>G (p.Arg230Gly)

Gene: GATA2 (GATA binding protein 2; minus strand). Cytogenetic location: 3q21.3.
Variant type: single nucleotide variant.
Coding change: c.688C>G on transcript NM_032638.5 (MANE Select); coding-DNA position 688, C replaced by G.
Protein change: p.Arg230Gly; replaces arginine 230 with glycine.
Molecular consequence: missense variant.
Genome position (GRCh38, 1-based): chr3:128,485,910, G>C on the plus strand (C>G on the coding strand, the complement: GATA2 is on the minus strand). VCF-style: chr3-128485910-G-C. GRCh37 (hg19) VCF-style: chr3-128204753-G-C.
Other names: c.688C>G, p.Arg230Gly (NM_001145661.2, NM_001145662.1); short protein forms R230G.
Identifiers: ClinVar variation 1499363 (VCV001499363.6), dbSNP rs769473824, ClinGen allele CA354406245.